The following is an entry in ClinVar:

ClinVar aggregate classification (germline): Uncertain significance (1 of 4 stars; one submission).

Allele frequency attached by ClinVar (database versions not stated): gnomAD exomes below 0.00001; TOPMed below 0.00001; gnomAD 0.00001.
gnomAD v4.1: 2 of 1,613,610 alleles (0.00012%); highest among the groups gnomAD compares: South Asian, 0.0022%; no homozygotes.

Submission:

Ambry Genetics
Classification: Uncertain significance. Last evaluated: 2023-04-05. Review status: criteria provided, single submitter. Criteria: Ambry Variant Classification Scheme 2023. Collection method: clinical testing. Allele origin: germline.
Comment: The p.A334V variant (also known as c.1001C>T), located in coding exon 6 of the CTNNA3 gene, results from a C to T substitution at nucleotide position 1001. The alanine at codon 334 is replaced by valine, an amino acid with similar properties. This amino acid position is conserved. In addition, this alteration is predicted to be tolerated by in silico analysis. Since supporting evidence is limited at this time, the clinical significance of this alteration remains unclear.

NM_013266.4(CTNNA3):c.1001C>T (p.Ala334Val)

Gene: CTNNA3 (catenin alpha 3; minus strand). Cytogenetic location: 10q21.3.
Variant type: single nucleotide variant.
Coding change: c.1001C>T on transcript NM_013266.4 (MANE Select); coding-DNA position 1001, C replaced by T.
Protein change: p.Ala334Val; replaces alanine 334 with valine.
Molecular consequence: missense variant.
Genome position (GRCh38, 1-based): chr10:67,180,363, G>A on the plus strand (C>T on the coding strand, the complement: CTNNA3 is on the minus strand). VCF-style: chr10-67180363-G-A. GRCh37 (hg19) VCF-style: chr10-68940121-G-A.
Other names: c.1001C>T, p.Ala334Val (NM_001127384.3); c.1037C>T, p.Ala346Val (NM_001291133.2); short protein forms A334V, A346V.
Identifiers: ClinVar variation 2564939 (VCV002564939.2), dbSNP rs1862465973, ClinGen allele CA377096805.
Genomic context (GRCh38, chr10:67,180,363, plus strand): 5'-AACCAGTCACCTACGTTGTTCATGTACTCTGAAAGCAGATCCTGAAGAGCCTGGCGAATG[G>A]CGTTGCATTCTGCGATAATCCGCTCTCGGTGTAAGTCCCTCGTACATGAAGAATCCGCCA-3'
Protein context (NP_037398.2, residues 324-344): HRERIIAECN[Ala334Val]IRQALQDLLS